The following is an entry in ClinVar:

NM_003073.5(SMARCB1):c.978C>T (p.Tyr326=)

Gene: SMARCB1 (SWI/SNF related BAF chromatin remodeling complex subunit B1; plus strand). Cytogenetic location: 22q11.23.
Variant type: single nucleotide variant.
Coding change: c.978C>T on transcript NM_003073.5 (MANE Select); coding-DNA position 978, C replaced by T.
Protein change: p.Tyr326=; no amino-acid change (tyrosine 326 retained).
Molecular consequence: synonymous variant.
Genome position (GRCh38, 1-based): chr22:23,825,407, C>T. VCF-style: chr22-23825407-C-T. GRCh37 (hg19) VCF-style: chr22-24167594-C-T.
Other names: c.978C>T (LRG_520t1); c.951C>T, p.Tyr317= (NM_001007468.3); c.1005C>T, p.Tyr335= (NM_001317946.2); c.1032C>T, p.Tyr344= (NM_001362877.2).
Identifiers: ClinVar variation 388704 (VCV000388704.27), dbSNP rs187488637, ClinGen allele CA10146079.

ClinVar aggregate classification (germline): Benign/Likely benign. Review status: criteria provided, multiple submitters, no conflicts (2 of 4 stars). 7 submissions from 6 submitters: Benign (2); Likely benign (5). Last evaluated 2025-12-31.

Conditions:
Hereditary cancer-predisposing syndrome. Also called: Neoplastic Syndromes, Hereditary; Hereditary neoplastic syndrome; Tumor predisposition; Hereditary Cancer Syndrome. Identifiers: Orphanet 140162, MedGen C0027672, MeSH D009386, MONDO:0015356.
Rhabdoid tumor predisposition syndrome 1 (RTPS1). Also called: Familial Posterior Fossa Brain Tumor of Infancy. Identifiers: Orphanet 231108, Orphanet 69077, MedGen C1836327, MONDO:0012252, OMIM 609322.
SMARCB1-related schwannomatosis. Also called: Schwannomatosis 1; SWNTS1. Identifiers: Orphanet 93921, MedGen C4048809, MONDO:0024517, OMIM 162091. Disease mechanism: loss of function.

Allele frequency attached by ClinVar (database versions not stated): gnomAD exomes 0.00002 and 0.00006; gnomAD 0.00003 and 0.00004; ExAC 0.00007; ESP Exome Variant Server 0.00008; TOPMed 0.00011; 1000 Genomes Project 30x 0.00016; 1000 Genomes Project 0.00020.
gnomAD v4.1: 38 of 1,613,872 alleles (0.0024%); highest among the groups gnomAD compares: East Asian, 0.027%; no homozygotes.

Submissions (7):

Labcorp Genetics (formerly Invitae), Labcorp
Classification: Likely benign. Last evaluated: 2025-12-31. Review status: criteria provided, single submitter. Criteria: Invitae Variant Classification Sherloc (09022015). Collection method: clinical testing. Allele origin: germline.

CeGaT Center for Human Genetics Tuebingen
Classification: Likely benign. Last evaluated: 2025-08-01. Review status: criteria provided, single submitter. Criteria: CeGaT Center For Human Genetics Tuebingen Variant Classification Criteria Version 2. Collection method: clinical testing. Allele origin: germline. Affected: yes. Observed: 2 variant alleles.
Comment: SMARCB1: BP4, BP7

Blueprint Genetics
Classification: Likely benign. Last evaluated: 2023-10-24. Review status: criteria provided, single submitter. Criteria: ACMG Guidelines, 2015. Collection method: clinical testing. Allele origin: germline.

Illumina Laboratory Services, Illumina
Classification: Benign for SMARCB1-related schwannomatosis. Last evaluated: 2018-01-13. Review status: criteria provided, single submitter. Criteria: ICSL Variant Classification Criteria 13 December 2019. Collection method: clinical testing. Allele origin: germline.
Comment: This variant was observed in the ICSL laboratory as part of a predisposition screen in an ostensibly healthy population. It had not been previously curated by ICSL or reported in the Human Gene Mutation Database (HGMD: prior to June 1st, 2018), and was therefore a candidate for classification through an automated scoring system. Utilizing variant allele frequency, disease prevalence and penetrance estimates, and inheritance mode, an automated score was calculated to assess if this variant is too frequent to cause the disease. Based on the score and internal cut-off values, a variant classified as benign is not then subjected to further curation. The score for this variant resulted in a classification of benign for this disease.

Illumina Laboratory Services, Illumina
Classification: Benign for Rhabdoid tumor predisposition syndrome 1. Last evaluated: 2018-01-13. Review status: criteria provided, single submitter. Criteria: ICSL Variant Classification Criteria 13 December 2019. Collection method: clinical testing. Allele origin: germline.
Comment: the same text as in the submission from Illumina Laboratory Services, Illumina above.

Ambry Genetics
Classification: Likely benign for Hereditary cancer-predisposing syndrome. Last evaluated: 2017-08-29. Review status: criteria provided, single submitter. Criteria: Ambry Variant Classification Scheme 2023. Collection method: clinical testing. Allele origin: germline.

GeneDx
Classification: Likely benign. Last evaluated: 2016-08-15. Review status: criteria provided, single submitter. Criteria: GeneDx Variant Classification (06012015). Collection method: clinical testing. Allele origin: germline. Affected: yes.
Comment: This variant is considered likely benign or benign based on one or more of the following criteria: it is a conservative change, it occurs at a poorly conserved position in the protein, it is predicted to be benign by multiple in silico algorithms, and/or has population frequency not consistent with disease.